The following is an entry in ClinVar:

ClinVar aggregate classification (germline): Pathogenic (1 of 4 stars; one submission).

Conditions:
Microphthalmia. Also called: Microphthalmos. Identifiers: MedGen C0026010, MONDO:0021129, HP:0000568.

Submission:

Genetics Department, University Hospital of Toulouse
Classification: Pathogenic for Microphthalmia. Last evaluated: 2022-10-15. Review status: criteria provided, single submitter. Criteria: ACMG Guidelines, 2015. Collection method: clinical testing. Allele origin: germline. Affected: yes.
Comment: LP (PS2, PM1, PM2, PP3)

NM_000965.5(RARB):c.654G>C (p.Trp218Cys)

Gene: RARB (retinoic acid receptor beta; plus strand). Cytogenetic location: 3p24.2.
Variant type: single nucleotide variant.
Coding change: c.654G>C on transcript NM_000965.5 (MANE Select); coding-DNA position 654, G replaced by C.
Protein change: p.Trp218Cys; replaces tryptophan 218 with cysteine.
Molecular consequence: missense variant. On other transcripts: non-coding transcript variant (2).
Genome position (GRCh38, 1-based): chr3:25,580,590, G>C. VCF-style: chr3-25580590-G-C. GRCh37 (hg19) VCF-style: chr3-25622081-G-C.
Other names: c.675G>C, p.Trp225Cys (NM_001290216.3); c.318G>C, p.Trp106Cys (NM_001290217.2, NM_001290276.2, NM_016152.4); c.507G>C, p.Trp169Cys (NM_001290266.2); c.654G>C, p.Trp218Cys (NM_001290277.1); c.525G>C, p.Trp175Cys (NM_001290300.2); short protein forms W106C, W169C, W175C, W218C, W225C.
Identifiers: ClinVar variation 1710327 (VCV001710327.1), dbSNP rs2529761251, ClinGen allele CA351896875.